The following is an entry in ClinVar:

ClinVar aggregate classification (germline): Likely benign (1 of 4 stars; one submission).

Submission:

CeGaT Center for Human Genetics Tuebingen
Classification: Likely benign. Last evaluated: 2022-03-01. Review status: criteria provided, single submitter. Criteria: CeGaT Center For Human Genetics Tuebingen Variant Classification Criteria Version 2. Collection method: clinical testing. Allele origin: germline. Affected: yes. Observed: 1 variant allele.
Comment: SOX1: BP4, BP7

NM_005986.3(SOX1):c.846C>T (p.Ala282=)

Genes: SOX1 (SRY-box transcription factor 1; plus strand), SOX1-OT (SOX1 overlapping transcript; plus strand). Cytogenetic location: 13q34.
Variant type: single nucleotide variant.
Coding change: c.846C>T on transcript NM_005986.3 (MANE Select); coding-DNA position 846, C replaced by T.
Protein change: p.Ala282=; no amino-acid change (alanine 282 retained).
Molecular consequence: synonymous variant.
Genome position (GRCh38, 1-based): chr13:112,068,504, C>T. VCF-style: chr13-112068504-C-T. GRCh37 (hg19) VCF-style: chr13-112722818-C-T.
Identifiers: ClinVar variation 2643962 (VCV002643962.24), dbSNP rs1880793918, ClinGen allele CA484985599.